The following is an entry in ClinVar:

NM_016169.4(SUFU):c.607G>A (p.Val203Ile)

Gene: SUFU (SUFU negative regulator of hedgehog signaling; plus strand). Cytogenetic location: 10q24.32.
Variant type: single nucleotide variant.
Coding change: c.607G>A on transcript NM_016169.4 (MANE Select); coding-DNA position 607, G replaced by A.
Protein change: p.Val203Ile; replaces valine 203 with isoleucine.
Molecular consequence: missense variant.
Genome position (GRCh38, 1-based): chr10:102,593,645, G>A. VCF-style: chr10-102593645-G-A. GRCh37 (hg19) VCF-style: chr10-104353402-G-A.
Other names: c.607G>A, p.Val203Ile (NM_001178133.2); short protein forms V203I.
Identifiers: ClinVar variation 1751439 (VCV001751439.3), dbSNP rs760484608, ClinGen allele CA5667733.

ClinVar aggregate classification (germline): Uncertain significance (1 of 4 stars; one submission).

Conditions:
Hereditary cancer-predisposing syndrome. Also called: Hereditary Cancer Syndrome; Hereditary neoplastic syndrome; Neoplastic Syndromes, Hereditary; Tumor predisposition. Identifiers: Orphanet 140162, MedGen C0027672, MeSH D009386, MONDO:0015356.

Allele frequency attached by ClinVar (database versions not stated): gnomAD exomes below 0.00001; ExAC 0.00002.
gnomAD v4.1: 2 of 1,614,196 alleles (0.00012%); highest among the groups gnomAD compares: Non-Finnish European, 0.00017%; no homozygotes.

Submission:

Ambry Genetics
Classification: Uncertain significance for Hereditary cancer-predisposing syndrome. Last evaluated: 2025-11-03. Review status: criteria provided, single submitter. Criteria: Ambry Variant Classification Scheme 2023. Collection method: clinical testing. Allele origin: germline.
Comment: The p.V203I variant (also known as c.607G>A), located in coding exon 5 of the SUFU gene, results from a G to A substitution at nucleotide position 607. The valine at codon 203 is replaced by isoleucine, an amino acid with highly similar properties. This amino acid position is conserved. In addition, the in silico prediction for this alteration is inconclusive. Based on the available evidence, the clinical significance of this variant remains unclear.